The following is an entry in ClinVar:

NM_024580.6(EFL1):c.1610G>T (p.Arg537Met)

Gene: EFL1 (elongation factor like GTPase 1; minus strand). Cytogenetic location: 15q25.2.
Variant type: single nucleotide variant.
Coding change: c.1610G>T on transcript NM_024580.6 (MANE Select); coding-DNA position 1610, G replaced by T.
Protein change: p.Arg537Met; replaces arginine 537 with methionine.
Molecular consequence: missense variant. On other transcripts: non-coding transcript variant (1).
Genome position (GRCh38, 1-based): chr15:82,219,653, C>A on the plus strand (G>T on the coding strand, the complement: EFL1 is on the minus strand). VCF-style: chr15-82219653-C-A. GRCh37 (hg19) VCF-style: chr15-82511994-C-A.
Other names: c.1457G>T, p.Arg486Met (NM_001040610.3); c.821G>T, p.Arg274Met (NM_001322844.2); c.1610G>T, p.Arg537Met (NM_001322845.2); short protein forms R274M, R486M, R537M.
Identifiers: ClinVar variation 3714751 (VCV003714751.2).

ClinVar aggregate classification (germline): Uncertain significance (1 of 4 stars; one submission).

gnomAD v4.1: 9 of 1,602,732 alleles (0.00056%); highest among the groups gnomAD compares: East Asian, 0.02%; no homozygotes.

Submission:

Labcorp Genetics (formerly Invitae), Labcorp
Classification: Uncertain significance. Last evaluated: 2024-12-18. Review status: criteria provided, single submitter. Criteria: Invitae Variant Classification Sherloc (09022015). Collection method: clinical testing. Allele origin: germline.
Comment: This sequence change replaces arginine, which is basic and polar, with methionine, which is neutral and non-polar, at codon 537 of the EFL1 protein (p.Arg537Met). This variant is present in population databases (rs187366076, gnomAD 0.08%). This variant has not been reported in the literature in individuals affected with EFL1-related conditions. An algorithm developed to predict the effect of missense changes on protein structure and function (PolyPhen-2) suggests that this variant is likely to be tolerated. In summary, the available evidence is currently insufficient to determine the role of this variant in disease. Therefore, it has been classified as a Variant of Uncertain Significance.